The following is an entry in ClinVar:

ClinVar aggregate classification (germline): Uncertain significance. Review status: criteria provided, multiple submitters, no conflicts (2 of 4 stars). 2 submissions from 2 submitters: Uncertain significance (2). Last evaluated 2025-10-21.

Conditions:
Hereditary intrinsic factor deficiency (IFD). Also called: PERNICIOUS ANEMIA, CONGENITAL, DUE TO DEFECT OF INTRINSIC FACTOR; Congenital intrinsic factor deficiency. Identifiers: Orphanet 332, MedGen C2062370, MONDO:0009852, OMIM 261000.

Allele frequency attached by ClinVar (database versions not stated): gnomAD exomes 0.00001; ExAC 0.00003; gnomAD 0.00005; TOPMed 0.00014.
gnomAD v4.1: 19 of 1,611,356 alleles (0.0012%); highest among the groups gnomAD compares: African/African-American, 0.012%; no homozygotes.

Submissions (2):

Ambry Genetics
Classification: Uncertain significance. Last evaluated: 2025-10-21. Review status: criteria provided, single submitter. Criteria: Ambry Variant Classification Scheme 2023. Collection method: clinical testing. Allele origin: germline.

Labcorp Genetics (formerly Invitae), Labcorp
Classification: Uncertain significance for Hereditary intrinsic factor deficiency. Last evaluated: 2022-03-23. Review status: criteria provided, single submitter. Criteria: Invitae Variant Classification Sherloc (09022015). Collection method: clinical testing. Allele origin: germline.
Comment: In summary, the available evidence is currently insufficient to determine the role of this variant in disease. Therefore, it has been classified as a Variant of Uncertain Significance. Algorithms developed to predict the effect of missense changes on protein structure and function output the following: SIFT: "Tolerated"; PolyPhen-2: "Benign"; Align-GVGD: "Class C0". The phenylalanine amino acid residue is found in multiple mammalian species, which suggests that this missense change does not adversely affect protein function. This variant has not been reported in the literature in individuals affected with GIF-related conditions. This variant is present in population databases (rs761457938, gnomAD 0.02%). This sequence change replaces tyrosine, which is neutral and polar, with phenylalanine, which is neutral and non-polar, at codon 7 of the GIF protein (p.Tyr7Phe).

NM_005142.3(CBLIF):c.20A>T (p.Tyr7Phe)

Gene: CBLIF (cobalamin binding intrinsic factor; minus strand). Cytogenetic location: 11q12.1.
Variant type: single nucleotide variant.
Coding change: c.20A>T on transcript NM_005142.3 (MANE Select); coding-DNA position 20, A replaced by T.
Protein change: p.Tyr7Phe; replaces tyrosine 7 with phenylalanine.
Molecular consequence: missense variant.
Genome position (GRCh38, 1-based): chr11:59,845,434, T>A on the plus strand (A>T on the coding strand, the complement: CBLIF is on the minus strand). VCF-style: chr11-59845434-T-A. GRCh37 (hg19) VCF-style: chr11-59612907-T-A.
Other names: c.20A>T (NM_005142.2); short protein forms Y7F.
Identifiers: ClinVar variation 2146374 (VCV002146374.6), dbSNP rs761457938, ClinGen allele CA6021709.